The following is an entry in ClinVar:

NM_006282.5(STK4):c.796C>A (p.Pro266Thr)

Gene: STK4 (serine/threonine kinase 4; plus strand). Cytogenetic location: 20q13.12.
Variant type: single nucleotide variant.
Coding change: c.796C>A on transcript NM_006282.5 (MANE Select); coding-DNA position 796, C replaced by A.
Protein change: p.Pro266Thr; replaces proline 266 with threonine.
Molecular consequence: missense variant.
Genome position (GRCh38, 1-based): chr20:44,997,271, C>A. VCF-style: chr20-44997271-C-A. GRCh37 (hg19) VCF-style: chr20-43625912-C-A.
Other names: c.796C>A, p.Pro266Thr (NM_001352385.2); c.796C>A (NM_006282.2); short protein forms P266T.
Identifiers: ClinVar variation 1035045 (VCV001035045.8), dbSNP rs143845252, ClinGen allele CA9873885.
Genomic context (GRCh38, chr20:44,997,271, plus strand): 5'-AAACCAGAGCTATGGTCAGATAACTTTACAGATTTTGTGAAACAGTGTCTTGTAAAGAGC[C>A]CTGAGCAGAGGGCCACAGCCACTCAGCTCCTGCAGGTATGAATCACCCTGTGATGCCATC-3'
Protein context (NP_006273.1, residues 256-276): DFVKQCLVKS[Pro266Thr]EQRATATQLL

ClinVar aggregate classification (germline): Uncertain significance. Review status: criteria provided, multiple submitters, no conflicts (2 of 4 stars). 3 submissions from 3 submitters: Uncertain significance (3). Last evaluated 2026-01-16.

Conditions:
Inborn genetic diseases. Identifiers: MedGen C0950123, MeSH D030342.
Combined immunodeficiency due to STK4 deficiency (IMD110). Also called: T-cell immunodeficiency, recurrent infections, and autoimmunity with or without cardiac malformations; STK4 DEFICIENCY; MST1 DEFICIENCY. Identifiers: Orphanet 314689, MedGen C3553943, MONDO:0013934, OMIM 614868.

Allele frequency attached by ClinVar (database versions not stated): gnomAD exomes 0.00002; ExAC 0.00003.
gnomAD v4.1: 27 of 1,612,078 alleles (0.0017%); highest among the groups gnomAD compares: Non-Finnish European, 0.0022%; no homozygotes.

Submissions (3):

Labcorp Genetics (formerly Invitae), Labcorp
Classification: Uncertain significance for Combined immunodeficiency due to STK4 deficiency. Last evaluated: 2026-01-16. Review status: criteria provided, single submitter. Criteria: Invitae Variant Classification Sherloc (09022015). Collection method: clinical testing. Allele origin: germline.
Comment: This sequence change replaces proline, which is neutral and non-polar, with threonine, which is neutral and polar, at codon 266 of the STK4 protein (p.Pro266Thr). This variant is present in population databases (rs143845252, gnomAD 0.005%). This variant has not been reported in the literature in individuals affected with STK4-related conditions. ClinVar contains an entry for this variant (Variation ID: 1035045). An algorithm developed to predict the effect of missense changes on protein structure and function (PolyPhen-2) suggests that this variant is likely to be disruptive. In summary, the available evidence is currently insufficient to determine the role of this variant in disease. Therefore, it has been classified as a Variant of Uncertain Significance.

Ambry Genetics
Classification: Uncertain significance for Inborn genetic diseases. Last evaluated: 2024-05-20. Review status: criteria provided, single submitter. Criteria: Ambry Variant Classification Scheme 2023. Collection method: clinical testing. Allele origin: germline.

Blueprint Genetics
Classification: Uncertain significance. Last evaluated: 2022-03-18. Review status: criteria provided, single submitter. Criteria: ACMG Guidelines, 2015. Collection method: clinical testing. Allele origin: germline.